The following is an entry in ClinVar:

NM_000038.6(APC):c.961A>C (p.Met321Leu)

Gene: APC (APC regulator of Wnt signaling pathway; plus strand). Cytogenetic location: 5q22.2.
Variant type: single nucleotide variant.
Coding change: c.961A>C on transcript NM_000038.6 (MANE Select); coding-DNA position 961, A replaced by C.
Protein change: p.Met321Leu; replaces methionine 321 with leucine.
Molecular consequence: missense variant. On other transcripts: non-coding transcript variant (2), intron variant (15).
Genome position (GRCh38, 1-based): chr5:112,818,993, A>C. VCF-style: chr5-112818993-A-C. GRCh37 (hg19) VCF-style: chr5-112154690-A-C.
Other names: c.961A>C, p.Met321Leu (NM_001127510.3, NM_001354895.2, NM_001354896.2 and 4 more transcripts); c.907A>C, p.Met303Leu (NM_001127511.3); c.991A>C, p.Met331Leu (NM_001354897.2, NM_001407446.1); c.886A>C, p.Met296Leu (NM_001354898.2, NM_001407451.1); c.877A>C, p.Met293Leu (NM_001354899.2, NM_001407452.1); c.784A>C, p.Met262Leu (NM_001354900.2, NM_001354901.2, NM_001407453.1); c.112A>C, p.Met38Leu (NM_001354906.2, NM_001407470.1); c.85-276A>C (NM_001407472.1, NM_001407471.1); and 5 more; short protein forms M262L, M293L, M296L, M303L, M321L, M331L, M38L.
Identifiers: ClinVar variation 3606237 (VCV003606237.2).

ClinVar aggregate classification (germline): Uncertain significance (1 of 4 stars; one submission).

Conditions:
Familial adenomatous polyposis 1 (FAP1). Also called: FAMILIAL ADENOMATOUS POLYPOSIS 1, ATTENUATED; POLYPOSIS, ADENOMATOUS INTESTINAL. Identifiers: MedGen C2713442, MONDO:0021056, OMIM 175100. Disease mechanism: loss of function.

Submission:

Labcorp Genetics (formerly Invitae), Labcorp
Classification: Uncertain significance for Familial adenomatous polyposis 1. Last evaluated: 2024-02-11. Review status: criteria provided, single submitter. Criteria: Invitae Variant Classification Sherloc (09022015). Collection method: clinical testing. Allele origin: germline.
Comment: This sequence change replaces methionine, which is neutral and non-polar, with leucine, which is neutral and non-polar, at codon 321 of the APC protein (p.Met321Leu). This variant is present in population databases (rs781603478, gnomAD 0.01%). This variant has not been reported in the literature in individuals affected with APC-related conditions. Advanced modeling of protein sequence and biophysical properties (such as structural, functional, and spatial information, amino acid conservation, physicochemical variation, residue mobility, and thermodynamic stability) performed at Invitae indicates that this missense variant is not expected to disrupt APC protein function with a negative predictive value of 95%. In summary, the available evidence is currently insufficient to determine the role of this variant in disease. Therefore, it has been classified as a Variant of Uncertain Significance.